The following is an entry in ClinVar:

ClinVar aggregate classification (germline): Likely pathogenic (1 of 4 stars; one submission).

Conditions:
GNPTG-mucolipidosis. Also called: ML III GAMMA; ML IIIC; MUCOLIPIDOSIS III, COMPLEMENTATION GROUP C; MUCOLIPIDOSIS III, IRANIAN VARIANT FORM; MUCOLIPIDOSIS III, VARIANT FORM; Mucolipidosis type III gamma. Identifiers: Orphanet 423470, Orphanet 577, MedGen C1854896, MONDO:0009652, OMIM 252605.

Submission:

Myriad Genetics, Inc.
Classification: Likely pathogenic for GNPTG-mucolipidosis. Last evaluated: 2022-02-24. Review status: criteria provided, single submitter. Criteria: Myriad Women's Health Autosomal Recessive and X-Linked Classification Criteria (2021). Collection method: clinical testing. Allele origin: unknown.
Comment: NM_032520.4(GNPTG):c.238A>T(K80*) is expected to be pathogenic in the context of mucolipidosis III gamma. This variant is predicted to lead to an abnormal or absent protein product due to the creation of a premature termination codon in GNPTG, a gene where loss-of-function variants are known to be pathogenic. Please note: this variant was assessed in the context of healthy population screening.

NM_032520.5(GNPTG):c.238A>T (p.Lys80Ter)

Gene: GNPTG (N-acetylglucosamine-1-phosphate transferase subunit gamma; plus strand). Cytogenetic location: 16p13.3.
Variant type: single nucleotide variant.
Coding change: c.238A>T on transcript NM_032520.5 (MANE Select); coding-DNA position 238, A replaced by T.
Protein change: p.Lys80Ter; replaces lysine 80 with a stop codon.
Molecular consequence: nonsense.
Genome position (GRCh38, 1-based): chr16:1,361,876, A>T. VCF-style: chr16-1361876-A-T. GRCh37 (hg19) VCF-style: chr16-1411877-A-T.
Other names: short protein forms K80*.
Identifiers: ClinVar variation 1724640 (VCV001724640.2), dbSNP rs368983807, ClinGen allele CA394186743.
Genomic context (GRCh38, chr16:1,361,876, plus strand): 5'-CGAGGGTGGGCTGGGGCGCAGCCTGCGGACCCCCCTCATGCCATCTGTGTCCCCAGGTAC[A>T]AGTATGAGTTCTGCCCGTTCCACAACGTGACCCAGCACGAGCAGACCTTCCGCTGGAACG-3'